The following is an entry in ClinVar:

NM_033028.5(BBS4):c.883C>T (p.Arg295Ter)

Gene: BBS4 (Bardet-Biedl syndrome 4; plus strand). Cytogenetic location: 15q24.1.
Variant type: single nucleotide variant.
Coding change: c.883C>T on transcript NM_033028.5 (MANE Select); coding-DNA position 883, C replaced by T.
Protein change: p.Arg295Ter; replaces arginine 295 with a stop codon.
Molecular consequence: nonsense. On other transcripts: non-coding transcript variant (2).
Genome position (GRCh38, 1-based): chr15:72,731,573, C>T. VCF-style: chr15-72731573-C-T. GRCh37 (hg19) VCF-style: chr15-73023914-C-T.
Other names: c.367C>T, p.Arg123Ter (NM_001252678.2); c.814C>T, p.Arg272Ter (NM_001320665.2); short protein forms R295*, R272*, R123*.
Identifiers: ClinVar variation 397593 (VCV000397593.78), dbSNP rs775710800, ClinGen allele CA7646830.

ClinVar aggregate classification (germline): Pathogenic/Likely pathogenic. Review status: criteria provided, multiple submitters, no conflicts (2 of 4 stars). 10 submissions from 10 submitters: Pathogenic (7); Likely pathogenic (2). 1 of the submissions does not count toward it. Last evaluated 2026-01-08.

Conditions:
BBS4-related disorder. Also called: BBS4-related condition.
Bardet-Biedl syndrome (BBS). Identifiers: Orphanet 110, MedGen C0752166, MONDO:0015229.
Bardet-Biedl syndrome 4 (BBS4). Identifiers: Orphanet 110, MedGen C2936864, MONDO:0014433, OMIM 615982.

Allele frequency attached by ClinVar (database versions not stated): ExAC 0.00001; gnomAD exomes 0.00001; TOPMed 0.00001.

Submissions (10):

PreventionGenetics, part of Exact Sciences
Classification: Pathogenic for BBS4-related condition. Last evaluated: 2026-01-08. Review status: criteria provided, single submitter. Criteria: ACMG Guidelines, 2015. Collection method: clinical testing. Allele origin: germline.
Comment: The BBS4 c.883C>T variant is predicted to result in premature protein termination (p.Arg295*). This variant has been reported in the compound heterozygous or presumed compound heterozygous state in at least three individuals with Bardet-Biedl syndrome (Table S2, Weisschuh et al. 2020. PubMed ID: 32531858; Zacchia et al. 2024. PubMed ID: 39990901; Gouronc et al. 2023. PubMed ID: 40225151). In one of the individuals, this variant was reported to be de novo and presumed in trans to an inherited pathogenic BBS4 variant (Gouronc et al. 2023. PubMed ID: 40225151). This variant is reported in 0.0054% of alleles in individuals of East Asian descent in gnomAD. Nonsense variants in BBS4 are expected to be pathogenic. This variant is interpreted as pathogenic.

Labcorp Genetics (formerly Invitae), Labcorp
Classification: Pathogenic for Bardet-Biedl syndrome. Last evaluated: 2024-08-21. Review status: criteria provided, single submitter. Criteria: Invitae Variant Classification Sherloc (09022015). Collection method: clinical testing. Allele origin: germline.
Comment: This sequence change creates a premature translational stop signal (p.Arg295*) in the BBS4 gene. It is expected to result in an absent or disrupted protein product. Loss-of-function variants in BBS4 are known to be pathogenic (PMID: 11381270, 12016587, 20177705, 27894351). This variant is present in population databases (rs775710800, gnomAD 0.003%). This premature translational stop signal has been observed in individual(s) with retinitis pigmentosa (PMID: 32531858). ClinVar contains an entry for this variant (Variation ID: 397593). For these reasons, this variant has been classified as Pathogenic.

Fulgent Genetics
Classification: Pathogenic for Bardet-Biedl syndrome 4. Last evaluated: 2024-04-30. Review status: criteria provided, single submitter. Criteria: ACMG Guidelines, 2015. Collection method: clinical testing. Allele origin: germline.

Baylor Genetics
Classification: Pathogenic for Bardet-Biedl syndrome 4. Last evaluated: 2023-08-07. Review status: criteria provided, single submitter. Criteria: ACMG Guidelines, 2015. Collection method: clinical testing. Allele origin: unknown.

Blueprint Genetics
Classification: Likely pathogenic for BBS4-related disorders. Last evaluated: 2023-07-13. Review status: criteria provided, single submitter. Criteria: ACMG Guidelines, 2015. Collection method: clinical testing. Allele origin: germline. Affected: yes. Observed: 2 variant alleles.

Laboratory of Medical Genetics (UMR_S 1112), INSERM/Strasbourg University
Classification: Pathogenic for Bardet-Biedl syndrome 4. Last evaluated: 2022-08-09. Review status: criteria provided, single submitter. Criteria: ACMG Guidelines, 2015. Collection method: clinical testing. Allele origin: de novo. Affected: yes. Observed: 3 variant alleles, 1 compound heterozygote.

Molecular Genetics Laboratory, Institute for Ophthalmic Research
Classification: Pathogenic for Bardet-Biedl syndrome. Last evaluated: 2020-01-09. Review status: criteria provided, single submitter. Criteria: ACMG Guidelines, 2015. Collection method: research. Allele origin: germline. Affected: yes.

CeGaT Center for Human Genetics Tuebingen
Classification: Likely pathogenic. Last evaluated: 2019-04-01. Review status: criteria provided, single submitter. Criteria: CeGaT Center For Human Genetics Tuebingen Variant Classification Criteria Version 2. Collection method: clinical testing. Allele origin: germline. Affected: yes. Observed: 2 variant alleles.

Clinical Genetics Service, Universitary Hospital 12 de Octubre
Classification: Pathogenic for Bardet-Biedl syndrome 4. Review status: criteria provided, single submitter. Criteria: ACMG Guidelines, 2015. Collection method: clinical testing. Allele origin: germline. Affected: yes.

Bioscientia Institut fuer Medizinische Diagnostik GmbH, Sonic Healthcare
Classification: Pathogenic for Bardet-Biedl syndrome 4. Review status: no assertion criteria provided. Collection method: clinical testing. Allele origin: germline. Affected: yes. Not counted in ClinVar's aggregate classification.

Literature cited by the submitters: PubMed 11381270 (cited by Labcorp Genetics (formerly Invitae), Labcorp); PubMed 12016587 (cited by Labcorp Genetics (formerly Invitae), Labcorp); PubMed 20177705 (cited by Labcorp Genetics (formerly Invitae), Labcorp); PubMed 27894351 (cited by Labcorp Genetics (formerly Invitae), Labcorp); PubMed 32531858 (cited by Labcorp Genetics (formerly Invitae), Labcorp); DOI doi:10.1155/2023/2564200 (cited by Laboratory of Medical Genetics (UMR_S 1112), INSERM/Strasbourg University).